The following is an entry in ClinVar:

ClinVar aggregate classification (germline): Uncertain significance (1 of 4 stars; one submission).

Conditions:
Generalized epilepsy-paroxysmal dyskinesia syndrome (PNKD3). Also called: Generalized epilepsy and paroxysmal dyskinesia; Paroxysmal nonkinesigenic dyskinesia, 3, with or without generalized epilepsy. Identifiers: Orphanet 79137, MedGen C5574945, MONDO:0012276, OMIM 609446.

Allele frequency attached by ClinVar (database versions not stated): TOPMed below 0.00001; ExAC 0.00001; gnomAD exomes below 0.00001 and 0.00001.
gnomAD v4.1: 4 of 1,606,498 alleles (0.00025%); highest among the groups gnomAD compares: East Asian, 0.0022%; no homozygotes.

Submission:

Labcorp Genetics (formerly Invitae), Labcorp
Classification: Uncertain significance for Generalized epilepsy-paroxysmal dyskinesia syndrome. Last evaluated: 2024-08-14. Review status: criteria provided, single submitter. Criteria: Invitae Variant Classification Sherloc (09022015). Collection method: clinical testing. Allele origin: germline.
Comment: This sequence change replaces isoleucine, which is neutral and non-polar, with valine, which is neutral and non-polar, at codon 512 of the KCNMA1 protein (p.Ile512Val). This variant is present in population databases (rs781682363, gnomAD 0.006%). This missense change has been observed in individual(s) with paroxysmal kinesigenic dyskinesia (PMID: 29356177). ClinVar contains an entry for this variant (Variation ID: 1001141). Invitae Evidence Modeling of protein sequence and biophysical properties (such as structural, functional, and spatial information, amino acid conservation, physicochemical variation, residue mobility, and thermodynamic stability) indicates that this missense variant is not expected to disrupt KCNMA1 protein function with a negative predictive value of 80%. In summary, the available evidence is currently insufficient to determine the role of this variant in disease. Therefore, it has been classified as a Variant of Uncertain Significance.

Literature cited by the submitters: PubMed 29356177.

NM_001161352.2(KCNMA1):c.1534A>G (p.Ile512Val)

Gene: KCNMA1 (potassium calcium-activated channel subfamily M alpha 1; minus strand). Cytogenetic location: 10q22.3.
Variant type: single nucleotide variant.
Coding change: c.1534A>G on transcript NM_001161352.2 (MANE Select); coding-DNA position 1534, A replaced by G.
Protein change: p.Ile512Val; replaces isoleucine 512 with valine.
Molecular consequence: missense variant.
Genome position (GRCh38, 1-based): chr10:77,079,540, T>C on the plus strand (A>G on the coding strand, the complement: KCNMA1 is on the minus strand). VCF-style: chr10-77079540-T-C. GRCh37 (hg19) VCF-style: chr10-78839298-T-C.
Other names: c.1534A>G, p.Ile512Val (NM_001014797.3, NM_001161353.2, NM_001271519.2 and 7 more transcripts); c.1372A>G, p.Ile458Val (NM_001271518.2); c.994A>G, p.Ile332Val (NM_001322838.2); short protein forms I332V, I458V, I512V.
Identifiers: ClinVar variation 1001141 (VCV001001141.9), dbSNP rs781682363, ClinGen allele CA5568411.